The following is an entry in ClinVar:

ClinVar aggregate classification (germline): Likely benign. Review status: criteria provided, multiple submitters, no conflicts (2 of 4 stars). 4 submissions from 4 submitters: Likely benign (3). 1 of the submissions does not count toward it. Last evaluated 2026-01-19.

Conditions:
NPHP1-related disorder. Also called: NPHP1-related disorders; NPHP1-related condition.
Nephronophthisis. Also called: Juvenile Nephronophthisis. Identifiers: Orphanet 655, MedGen C0687120, MONDO:0019005, HP:0000090.
Joubert syndrome with renal defect. Also called: JOUBERT SYNDROME 4. Identifiers: Orphanet 220497, MedGen C1846790, MONDO:0012308, OMIM 609583.
Nephronophthisis 1 (NPHP1). Also called: Nephronophthisis familial juvenile. Identifiers: Orphanet 655, Orphanet 93592, MedGen C1855681, MONDO:0009728, OMIM 256100.
Senior-Loken syndrome 1 (SLSN1). Also called: JUVENILE NEPHRONOPHTHISIS WITH LEBER AMAUROSIS. Identifiers: Orphanet 3156, MedGen C4551559, MONDO:0009962, OMIM 266900.

Allele frequency attached by ClinVar (database versions not stated): gnomAD 0.00002; TOPMed 0.00003; gnomAD exomes 0.00004; ExAC 0.00006; ESP Exome Variant Server 0.00008.
gnomAD v4.1: 47 of 1,610,048 alleles (0.0029%); highest among the groups gnomAD compares: East Asian, 0.0089%; no homozygotes.

Submissions (4):

Labcorp Genetics (formerly Invitae), Labcorp
Classification: Likely benign for Nephronophthisis. Last evaluated: 2026-01-19. Review status: criteria provided, single submitter. Criteria: Invitae Variant Classification Sherloc (09022015). Collection method: clinical testing. Allele origin: germline.

Blueprint Genetics
Classification: Likely benign. Last evaluated: 2024-06-24. Review status: criteria provided, single submitter. Criteria: ACMG Guidelines, 2015. Collection method: clinical testing. Allele origin: germline.

Fulgent Genetics
Classification: Likely benign for Nephronophthisis 1; Senior-Loken syndrome 1; Joubert syndrome with renal defect. Last evaluated: 2021-07-23. Review status: criteria provided, single submitter. Criteria: ACMG Guidelines, 2015. Collection method: clinical testing. Allele origin: unknown.

PreventionGenetics, part of Exact Sciences
Classification: Likely benign for NPHP1-related condition. Last evaluated: 2023-01-17. Review status: no assertion criteria provided. Collection method: clinical testing. Allele origin: germline. Not counted in ClinVar's aggregate classification.
Comment: This variant is classified as likely benign based on ACMG/AMP sequence variant interpretation guidelines (Richards et al. 2015 PMID: 25741868, with internal and published modifications).

NM_001128178.3(NPHP1):c.1434C>T (p.His478=)

Gene: NPHP1 (nephrocystin 1; minus strand). Cytogenetic location: 2q13.
Variant type: single nucleotide variant.
Coding change: c.1434C>T on transcript NM_001128178.3 (MANE Select); coding-DNA position 1434, C replaced by T.
Protein change: p.His478=; no amino-acid change (histidine 478 retained).
Molecular consequence: synonymous variant.
Genome position (GRCh38, 1-based): chr2:110,143,637, G>A on the plus strand (C>T on the coding strand, the complement: NPHP1 is on the minus strand). VCF-style: chr2-110143637-G-A. GRCh37 (hg19) VCF-style: chr2-110901214-G-A.
Other names: c.1602C>T, p.His534= (NM_000272.5); c.1245C>T, p.His415= (NM_001128179.3); c.1431C>T, p.His477= (NM_001374256.1); c.1434C>T, p.His478= (NM_001374257.1); c.1599C>T, p.His533= (NM_207181.4).
Identifiers: ClinVar variation 531636 (VCV000531636.12), dbSNP rs148809478, ClinGen allele CA1827007.